The following is an entry in ClinVar:

ClinVar aggregate classification (germline): Uncertain significance (1 of 4 stars; one submission).

Conditions:
Primary ciliary dyskinesia 6. Also called: Primary Ciliary Dyskinesia 6: TXNDC3-Related Primary Ciliary Dyskinesia. Identifiers: Orphanet 244, MedGen C1970506, MONDO:0012571, OMIM 610852.

Allele frequency attached by ClinVar (database versions not stated): ExAC 0.00001; gnomAD 0.00001; gnomAD exomes 0.00001 and 0.00002.

Submission:

Labcorp Genetics (formerly Invitae), Labcorp
Classification: Uncertain significance for Primary ciliary dyskinesia 6. Last evaluated: 2022-11-16. Review status: criteria provided, single submitter. Criteria: Invitae Variant Classification Sherloc (09022015). Collection method: clinical testing. Allele origin: germline.
Comment: This variant has not been reported in the literature in individuals affected with NME8-related conditions. This variant is present in population databases (rs758607187, gnomAD 0.01%). ClinVar contains an entry for this variant (Variation ID: 658309). This sequence change replaces arginine, which is basic and polar, with lysine, which is basic and polar, at codon 330 of the NME8 protein (p.Arg330Lys). Advanced modeling of protein sequence and biophysical properties (such as structural, functional, and spatial information, amino acid conservation, physicochemical variation, residue mobility, and thermodynamic stability) performed at Invitae indicates that this missense variant is not expected to disrupt NME8 protein function. In summary, the available evidence is currently insufficient to determine the role of this variant in disease. Therefore, it has been classified as a Variant of Uncertain Significance.

NM_016616.5(NME8):c.989G>A (p.Arg330Lys)

Gene: NME8 (NME/NM23 family member 8; plus strand). Cytogenetic location: 7p14.1.
Variant type: single nucleotide variant.
Coding change: c.989G>A on transcript NM_016616.5 (MANE Select); coding-DNA position 989, G replaced by A.
Protein change: p.Arg330Lys; replaces arginine 330 with lysine.
Molecular consequence: missense variant.
Genome position (GRCh38, 1-based): chr7:37,877,002, G>A. VCF-style: chr7-37877002-G-A. GRCh37 (hg19) VCF-style: chr7-37916604-G-A.
Other names: short protein forms R330K.
Identifiers: ClinVar variation 658309 (VCV000658309.8), dbSNP rs758607187, ClinGen allele CA4222382.